The following is an entry in ClinVar:

ClinVar aggregate classification (germline): Uncertain significance (1 of 4 stars; one submission).

Submission:

GeneDx
Classification: Uncertain significance. Last evaluated: 2023-10-18. Review status: criteria provided, single submitter. Criteria: GeneDx Variant Classification Process June 2021. Collection method: clinical testing. Allele origin: germline. Affected: yes.
Comment: Not observed at significant frequency in large population cohorts (gnomAD); In silico analysis supports that this missense variant has a deleterious effect on protein structure/function; Has not been previously published as pathogenic or benign to our knowledge

NM_002156.5(HSPD1):c.311A>G (p.Asn104Ser)

Gene: HSPD1 (heat shock protein family D (Hsp60) member 1; minus strand). Cytogenetic location: 2q33.1.
Variant type: single nucleotide variant.
Coding change: c.311A>G on transcript NM_002156.5 (MANE Select); coding-DNA position 311, A replaced by G.
Protein change: p.Asn104Ser; replaces asparagine 104 with serine.
Molecular consequence: missense variant.
Genome position (GRCh38, 1-based): chr2:197,497,256, T>C on the plus strand (A>G on the coding strand, the complement: HSPD1 is on the minus strand). VCF-style: chr2-197497256-T-C. GRCh37 (hg19) VCF-style: chr2-198361980-T-C.
Other names: c.311A>G, p.Asn104Ser (NM_199440.2); short protein forms N104S.
Identifiers: ClinVar variation 2662680 (VCV002662680.1), dbSNP rs2470122899, ClinGen allele CA350203716.
Genomic context (GRCh38, chr2:197,497,256, plus strand): 5'-GCTATAGAGCGTGCCAGTACAGTAGCAGTGGTAGTGCCATCCCCAGCTTCTTCATTTGTG[T>C]TATTGGCAACATCTTGAACAAGTTTAGCTCCAATGTTTTTGTATTTATCTTTTAAGTCAA-3'
Protein context (NP_002147.2, residues 94-114): GAKLVQDVAN[Asn104Ser]TNEEAGDGTT